The following is an entry in ClinVar:

ClinVar aggregate classification (germline): Uncertain significance. Review status: criteria provided, multiple submitters, no conflicts (2 of 4 stars). 2 submissions from 2 submitters: Uncertain significance (2). Last evaluated 2026-10-01.

Conditions:
Inborn genetic diseases. Identifiers: MedGen C0950123, MeSH D030342.

Allele frequency attached by ClinVar (database versions not stated): ExAC 0.00007; ESP Exome Variant Server 0.00015; TOPMed 0.00008; 1000 Genomes Project 30x 0.00016; gnomAD exomes 0.00021; gnomAD 0.00009; 1000 Genomes Project 0.00020.
gnomAD v4.1: 325 of 1,614,160 alleles (0.02%); highest among the groups gnomAD compares: Non-Finnish European, 0.026%; no homozygotes.

Submissions (2):

GeneDx
Classification: Uncertain significance. Last evaluated: 2026-10-01. Review status: criteria provided, single submitter. Criteria: GeneDx Variant Classification Process June 2021. Collection method: clinical testing. Allele origin: germline.
Comment: In silico analysis supports that this missense variant has a deleterious effect on protein structure/function; Has not been previously published as pathogenic or benign to our knowledge

Ambry Genetics
Classification: Uncertain significance for Inborn genetic diseases. Last evaluated: 2025-05-01. Review status: criteria provided, single submitter. Criteria: Ambry Variant Classification Scheme 2023. Collection method: clinical testing. Allele origin: germline.

NM_015937.6(PIGT):c.1130C>T (p.Pro377Leu)

Gene: PIGT (phosphatidylinositol glycan anchor biosynthesis class T; plus strand). Cytogenetic location: 20q13.12.
Variant type: single nucleotide variant.
Coding change: c.1130C>T on transcript NM_015937.6 (MANE Select); coding-DNA position 1130, C replaced by T.
Protein change: p.Pro377Leu; replaces proline 377 with leucine.
Molecular consequence: missense variant. On other transcripts: non-coding transcript variant (5), intron variant (1).
Genome position (GRCh38, 1-based): chr20:45,421,479, C>T. VCF-style: chr20-45421479-C-T. GRCh37 (hg19) VCF-style: chr20-44050119-C-T.
Other names: c.1130C>T (NM_015937.5); c.962C>T, p.Pro321Leu (NM_001184728.3); c.824C>T, p.Pro275Leu (NM_001184730.3); c.1033+786C>T (NM_001184729.3); short protein forms P321L, P275L, P377L.
Identifiers: ClinVar variation 2357246 (VCV002357246.8), dbSNP rs201636600, ClinGen allele CA9878172.
Genomic context (GRCh38, chr20:45,421,479, plus strand): 5'-ACGTGAGTGGCTATGGGCTGCAGAAGGGGGAGCTGAGCACACTGCTGTACAACACCCACC[C>T]ATACCGGGCCTTCCCGGTGCTGCTGCTGGACACCGTACCCTGGTATCTGCGGCTGTATGT-3'
Protein context (NP_057021.2, residues 367-387): ELSTLLYNTH[Pro377Leu]YRAFPVLLLD